The following is an entry in ClinVar:

NM_004415.4(DSP):c.721G>A (p.Asp241Asn)

Gene: DSP (desmoplakin; plus strand). Cytogenetic location: 6p24.3.
Variant type: single nucleotide variant.
Coding change: c.721G>A on transcript NM_004415.4 (MANE Select); coding-DNA position 721, G replaced by A.
Protein change: p.Asp241Asn; replaces aspartic acid 241 with asparagine.
Molecular consequence: missense variant.
Genome position (GRCh38, 1-based): chr6:7,562,775, G>A. VCF-style: chr6-7562775-G-A. GRCh37 (hg19) VCF-style: chr6-7563008-G-A.
Other names: c.721G>A, p.Asp241Asn (NM_001008844.3, NM_001319034.2); short protein forms D241N.
Identifiers: ClinVar variation 927578 (VCV000927578.9), dbSNP rs868293429, ClinGen allele CA133953316.

ClinVar aggregate classification (germline): Conflicting classifications of pathogenicity. Review status: criteria provided, conflicting classifications (1 of 4 stars). 5 submissions from 5 submitters: Uncertain significance (4); Likely benign (1). Last evaluated 2025-10-06.

Conditions:
Cardiomyopathy (CMYO). Also called: Cardiomyopathies. Identifiers: Orphanet 167848, MedGen C0878544, MONDO:0004994, HP:0001638. Inheritance: Various modes of inheritance.
Arrhythmogenic cardiomyopathy with wooly hair and keratoderma. Also called: Carvajal syndrome; PALMOPLANTAR KERATODERMA WITH LEFT VENTRICULAR CARDIOMYOPATHY AND WOOLLY HAIR; Dilated cardiomyopathy with woolly hair and keratoderma; Arrhythmogenic cardiomyopathy with woolly hair and keratoderma. Identifiers: Orphanet 65282, MedGen C1854063, MONDO:0011581, OMIM 605676.
Arrhythmogenic right ventricular dysplasia 8 (ARVD8). Also called: Arrhythmogenic Right Ventricular Dysplasia/Cardiomyopathy 8; ARRHYTHMOGENIC RIGHT VENTRICULAR DYSPLASIA, FAMILIAL, 8; ARRHYTHMOGENIC RIGHT VENTRICULAR CARDIOMYOPATHY 8. Identifiers: MedGen C1843896, MONDO:0011831, OMIM 607450.

Allele frequency attached by ClinVar (database versions not stated): TOPMed below 0.00001; gnomAD 0.00001; gnomAD exomes 0.00001.

Submissions (5):

Labcorp Genetics (formerly Invitae), Labcorp
Classification: Likely benign for Arrhythmogenic cardiomyopathy with wooly hair and keratoderma; Arrhythmogenic right ventricular dysplasia 8. Last evaluated: 2025-10-06. Review status: criteria provided, single submitter. Criteria: Invitae Variant Classification Sherloc (09022015). Collection method: clinical testing. Allele origin: germline.

All of Us Research Program, National Institutes of Health
Classification: Uncertain significance for Arrhythmogenic cardiomyopathy with wooly hair and keratoderma. Last evaluated: 2024-08-06. Review status: criteria provided, single submitter. Criteria: ACMG Guidelines, 2015. Collection method: clinical testing. Allele origin: germline. Inheritance: Autosomal dominant inheritance. Observed: 1 variant allele, 1 heterozygote.
Comment: This study involves interpretation of variants in research participants for the purpose of population health screening. Participant phenotype was not available at the time of variant classification. Additional details can be found in publication PMID: 35346344, PMCID: PMC8962531

Blueprint Genetics
Classification: Uncertain significance. Last evaluated: 2022-12-16. Review status: criteria provided, single submitter. Criteria: ACMG Guidelines, 2015. Collection method: clinical testing. Allele origin: germline.

GeneDx
Classification: Uncertain significance. Last evaluated: 2021-10-14. Review status: criteria provided, single submitter. Criteria: GeneDx Variant Classification Process June 2021. Collection method: clinical testing. Allele origin: germline. Affected: yes.
Comment: Identified in a sudden unexplained death cohort, however, patient-specific data were not provided (Lin et al., 2017); Not observed at significant frequency in large population cohorts (Lek et al., 2016); In silico analysis supports that this missense variant has a deleterious effect on protein structure/function; Reported in ClinVar as a variant of uncertain significance (ClinVar Variant ID# 927578; Landrum et al., 2016); This variant is associated with the following publications: (PMID: 26582918, 29247119)

Color Diagnostics, LLC DBA Color Health
Classification: Uncertain significance for Cardiomyopathy. Last evaluated: 2018-11-08. Review status: criteria provided, single submitter. Criteria: ACMG Guidelines, 2015. Collection method: clinical testing. Allele origin: germline.
Comment: Variant of Uncertain Significance due to insufficient evidence: This missense variant is located in the spectrin repeat 3 in the plakin domain of the DSP protein. Computational prediction tools and conservation analyses are inconclusive regarding the impact of this variant on the protein function. Computational splicing tools suggest that this variant may not impact RNA splicing. To our knowledge, functional assays have not been performed for this variant nor has this variant been reported in individuals affected with cardiovascular disorders in the literature. This variant has been identified in 1/246134 chromosomes in the general population by the Genome Aggregation Database (gnomAD). Available evidence is insufficient to determine the pathogenicity of this variant conclusively.